The following is an entry in ClinVar:

NM_024675.4(PALB2):c.2112T>A (p.Leu704=)

Gene: PALB2 (partner and localizer of BRCA2; minus strand). Cytogenetic location: 16p12.2.
Variant type: single nucleotide variant.
Coding change: c.2112T>A on transcript NM_024675.4 (MANE Select); coding-DNA position 2112, T replaced by A.
Protein change: p.Leu704=; no amino-acid change (leucine 704 retained).
Molecular consequence: synonymous variant.
Genome position (GRCh38, 1-based): chr16:23,630,042, A>T on the plus strand (T>A on the coding strand, the complement: PALB2 is on the minus strand). VCF-style: chr16-23630042-A-T. GRCh37 (hg19) VCF-style: chr16-23641363-A-T.
Identifiers: ClinVar variation 232174 (VCV000232174.23), dbSNP rs876659598, ClinGen allele CA10579986.

ClinVar aggregate classification (germline): Benign/Likely benign. Review status: criteria provided, multiple submitters, no conflicts (2 of 4 stars). 5 submissions from 5 submitters: Benign (1); Likely benign (4). Last evaluated 2025-01-15.

Conditions:
Hereditary cancer-predisposing syndrome. Also called: Neoplastic Syndromes, Hereditary; Tumor predisposition; Hereditary Cancer Syndrome; Hereditary neoplastic syndrome. Identifiers: Orphanet 140162, MedGen C0027672, MeSH D009386, MONDO:0015356.
Familial cancer of breast. Also called: BREAST CANCER, FAMILIAL; hereditary breast carcinoma; Hereditary breast cancer. Identifiers: Orphanet 227535, MedGen C0346153, MONDO:0016419, OMIM 114480. Disease mechanism: loss of function.

gnomAD v4.1: 3 of 1,614,080 alleles (0.00019%); highest among the groups gnomAD compares: Non-Finnish European, 0.00025%; no homozygotes.

Submissions (5):

Myriad Genetics, Inc.
Classification: Benign for Familial cancer of breast. Last evaluated: 2025-01-15. Review status: criteria provided, single submitter. Criteria: Myriad Autosomal Dominant, Autosomal Recessive and X-Linked Classification Criteria (2023). Collection method: clinical testing. Allele origin: unknown.
Comment: This variant is considered benign. This variant is a silent/synonymous amino acid change and it is not expected to impact splicing.

Labcorp Genetics (formerly Invitae), Labcorp
Classification: Likely benign for Familial cancer of breast. Last evaluated: 2024-08-11. Review status: criteria provided, single submitter. Criteria: Invitae Variant Classification Sherloc (09022015). Collection method: clinical testing. Allele origin: germline.

Color Diagnostics, LLC DBA Color Health
Classification: Likely benign for Hereditary cancer-predisposing syndrome. Last evaluated: 2020-12-11. Review status: criteria provided, single submitter. Criteria: ACMG Guidelines, 2015. Collection method: clinical testing. Allele origin: germline.

GeneDx
Classification: Likely benign. Last evaluated: 2020-12-03. Review status: criteria provided, single submitter. Criteria: GeneDx Variant Classification Process June 2021. Collection method: clinical testing. Allele origin: germline. Affected: yes.

Ambry Genetics
Classification: Likely benign for Hereditary cancer-predisposing syndrome. Last evaluated: 2015-06-02. Review status: criteria provided, single submitter. Criteria: Ambry Variant Classification Scheme 2023. Collection method: clinical testing. Allele origin: germline.